The following is an entry in ClinVar:

ClinVar aggregate classification (germline): Pathogenic. Review status: criteria provided, multiple submitters, no conflicts (2 of 4 stars). 2 submissions from 2 submitters: Pathogenic (2). Last evaluated 2018-11-09.

Conditions:
Autism spectrum disorder due to AUTS2 deficiency (MRD26). Also called: INTELLECTUAL DEVELOPMENTAL DISORDER, AUTOSOMAL DOMINANT 26. Identifiers: Orphanet 352490, MedGen C4014435, MONDO:0014361, OMIM 615834.

Submissions (2):

Baylor Genetics
Classification: Pathogenic for Autism spectrum disorder due to AUTS2 deficiency. Last evaluated: 2018-11-09. Review status: criteria provided, single submitter. Criteria: ACMG Guidelines, 2015. Collection method: clinical testing. Allele origin: de novo. Affected: yes.
Comment: This variant was determined to be pathogenic according to ACMG Guidelines, 2015 [PMID:25741868].

Undiagnosed Diseases Network, NIH
Classification: Pathogenic for Autism spectrum disorder due to AUTS2 deficiency. Last evaluated: 2018-11-09. Review status: criteria provided, single submitter. Criteria: ACMG Guidelines, 2015. Collection method: clinical testing. Allele origin: de novo. Inheritance: Autosomal dominant inheritance. Affected: yes. Observed: 1 variant allele, 1 heterozygote.
Comment: Frameshift RV produces a stable transcript; confirmed by cDNA analysis +/- puromycin; patient good phenotypic match for condition

NM_015570.4(AUTS2):c.1534dup (p.Ala512fs)

Gene: AUTS2 (activator of transcription and developmental regulator AUTS2; plus strand). Cytogenetic location: 7q11.22.
Variant type: Duplication.
Coding change: c.1534dup on transcript NM_015570.4 (MANE Select); coding-DNA position 1534, one base duplicated (G; older notation c.1534dupG).
Protein change: p.Ala512fs; shifts the reading frame from alanine 512.
Molecular consequence: frameshift variant.
Genome position (GRCh38, 1-based): chr7:70,766,179, G duplicated; the last of 4 consecutive G bases (chr7:70,766,176-70,766,179); duplicating any one gives the same sequence. VCF-style (leftmost placement, unchanged base first): chr7-70766175-C-CG. GRCh37 (hg19) VCF-style: chr7-70231161-C-CG.
Other names: c.1534dup, p.Ala512fs (NM_001127231.3); short protein forms A512fs.
Identifiers: ClinVar variation 870583 (VCV000870583.5), dbSNP rs1789927813, ClinGen allele CA1139660096.
Genomic context (GRCh38, chr7:70,766,175, plus strand): 5'-GCAAGACATCTTGCGACAGGAACTGAACACTCGTTTTTTGGCCTCTCAGAGTGCTGACCG[C>CG]GGGGCTTCCCTGGGCCCTCCGCCCTACCTGCGGACCGAGTTCCATCAGCACCAGCACCAG-3'